The following is an entry in ClinVar:

NM_000182.5(HADHA):c.1480-139C>G

Genes: GAREM2 (GRB2 associated regulator of MAPK1 subtype 2; plus strand), HADHA (hydroxyacyl-CoA dehydrogenase trifunctional multienzyme complex subunit alpha; minus strand). Cytogenetic location: 2p23.3.
Variant type: single nucleotide variant.
Coding change: c.1480-139C>G on transcript NM_000182.5 (MANE Select); 139 bases into the intron before coding-DNA position 1480, C replaced by G.
Molecular consequence: intron variant.
Genome position (GRCh38, 1-based): chr2:26,195,371, G>C on the plus strand (C>G on the coding strand, the complement: HADHA is on the minus strand). VCF-style: chr2-26195371-G-C. GRCh37 (hg19) VCF-style: chr2-26418240-G-C.
Identifiers: ClinVar variation 2146509 (VCV002146509.2), dbSNP rs1669638670, ClinGen allele CA1028587854.

ClinVar aggregate classification (germline): Conflicting classifications of pathogenicity. Review status: criteria provided, conflicting classifications (1 of 4 stars). 2 submissions from 2 submitters: Likely pathogenic (1); Uncertain significance (1). Last evaluated 2026-09-01.

Conditions:
Mitochondrial trifunctional protein deficiency. Identifiers: Orphanet 746, MedGen C1969443, MONDO:0012172.
Long chain 3-hydroxyacyl-CoA dehydrogenase deficiency. Also called: LCHAD Deficiency; Deficiency of long-chain 3-hydroxyacyl-coenzyme A dehydrogenase. Identifiers: Orphanet 5, MedGen C3711645, MONDO:0012173, OMIM 609016.

Allele frequency attached by ClinVar (database versions not stated): gnomAD 0.00001; gnomAD exomes 0.00003.
gnomAD v4.1: 22 of 789,792 alleles (0.0028%); highest among the groups gnomAD compares: South Asian, 0.03%; no homozygotes.

Submissions (2):

CeGaT Center for Human Genetics Tuebingen
Classification: Likely pathogenic. Last evaluated: 2026-09-01. Review status: criteria provided, single submitter. Criteria: CeGaT Center For Human Genetics Tuebingen Variant Classification Criteria Version 2. Collection method: clinical testing. Allele origin: germline. Affected: yes. Observed: 1 variant allele.
Comment: HADHA: PM2, PM3, PP4:Moderate

Labcorp Genetics (formerly Invitae), Labcorp
Classification: Uncertain significance for Mitochondrial trifunctional protein deficiency; Long chain 3-hydroxyacyl-CoA dehydrogenase deficiency. Last evaluated: 2022-04-13. Review status: criteria provided, single submitter. Criteria: Invitae Variant Classification Sherloc (09022015). Collection method: clinical testing. Allele origin: germline.
Comment: This sequence change falls in intron 14 of the HADHA gene. It does not directly change the encoded amino acid sequence of the HADHA protein. This variant is not present in population databases (gnomAD no frequency). This variant has been observed in individual(s) with clinical features of 3-hydroxyacyl-CoA dehydrogenase deficiency and mitochondrial trifunctional protein deficiency (PMID: 32860008). Algorithms developed to predict the effect of sequence changes on RNA splicing suggest that this variant is not likely to affect RNA splicing. In summary, the available evidence is currently insufficient to determine the role of this variant in disease. Therefore, it has been classified as a Variant of Uncertain Significance.

Literature cited by the submitters: PubMed 32860008 (cited by Labcorp Genetics (formerly Invitae), Labcorp).